The following is an entry in ClinVar:

NM_000548.5(TSC2):c.2806C>G (p.Arg936Gly)

Gene: TSC2 (TSC complex subunit 2; plus strand). Cytogenetic location: 16p13.3.
Variant type: single nucleotide variant.
Coding change: c.2806C>G on transcript NM_000548.5 (MANE Select); coding-DNA position 2806, C replaced by G.
Protein change: p.Arg936Gly; replaces arginine 936 with glycine.
Molecular consequence: missense variant. On other transcripts: non-coding transcript variant (5).
Genome position (GRCh38, 1-based): chr16:2,076,554, C>G. VCF-style: chr16-2076554-C-G. GRCh37 (hg19) VCF-style: chr16-2126555-C-G.
Other names: c.2659C>G, p.Arg887Gly (NM_001406675.1, NM_001406676.1, NM_001406679.1 and 1 more transcripts); c.2749C>G, p.Arg917Gly (NM_001406677.1); c.2206C>G, p.Arg736Gly (NM_001406682.1, NM_001406683.1, NM_001406680.1 and 6 more transcripts); c.2695C>G, p.Arg899Gly (NM_001406678.1, NM_001318827.2, NM_001406670.1); c.2344C>G, p.Arg782Gly (NM_001406681.1); c.2794C>G, p.Arg932Gly (NM_001406673.1, NM_001406671.1); c.2806C>G, p.Arg936Gly (NM_001077183.3, NM_001114382.3, NM_001363528.2 and 6 more transcripts); c.2839C>G, p.Arg947Gly (NM_001318832.2); and 3 more; short protein forms R488G, R917G, R932G, R899G, R936G, R402G, R736G, R782G.
Identifiers: ClinVar variation 3637210 (VCV003637210.2).

ClinVar aggregate classification (germline): Uncertain significance (1 of 4 stars; one submission).

Conditions:
Tuberous sclerosis 2 (TSC2). Identifiers: Orphanet 805, MedGen C1860707, MONDO:0013199, OMIM 613254.

Submission:

Labcorp Genetics (formerly Invitae), Labcorp
Classification: Uncertain significance for Tuberous sclerosis 2. Last evaluated: 2024-05-13. Review status: criteria provided, single submitter. Criteria: Invitae Variant Classification Sherloc (09022015). Collection method: clinical testing. Allele origin: germline.
Comment: This sequence change replaces arginine, which is basic and polar, with glycine, which is neutral and non-polar, at codon 936 of the TSC2 protein (p.Arg936Gly). This variant is not present in population databases (gnomAD no frequency). This variant has not been reported in the literature in individuals affected with TSC2-related conditions. Advanced modeling of protein sequence and biophysical properties (such as structural, functional, and spatial information, amino acid conservation, physicochemical variation, residue mobility, and thermodynamic stability) performed at Invitae indicates that this missense variant is not expected to disrupt TSC2 protein function with a negative predictive value of 95%. In summary, the available evidence is currently insufficient to determine the role of this variant in disease. Therefore, it has been classified as a Variant of Uncertain Significance.